The following is an entry in ClinVar:

NM_020975.6(RET):c.1541G>A (p.Gly514Asp)

Gene: RET (ret proto-oncogene; plus strand). Cytogenetic location: 10q11.21.
Variant type: single nucleotide variant.
Coding change: c.1541G>A on transcript NM_020975.6 (MANE Select); coding-DNA position 1541, G replaced by A.
Protein change: p.Gly514Asp; replaces glycine 514 with aspartic acid.
Molecular consequence: missense variant.
Genome position (GRCh38, 1-based): chr10:43,112,117, G>A. VCF-style: chr10-43112117-G-A. GRCh37 (hg19) VCF-style: chr10-43607565-G-A.
Other names: c.815G>A, p.Gly272Asp (NM_001406775.1, NM_001406776.1, NM_001406777.1 and 1 more transcripts); c.644G>A, p.Gly215Asp (NM_001406779.1, NM_001406780.1, NM_001406781.1 and 3 more transcripts); c.515G>A, p.Gly172Asp (NM_001406783.1, NM_001406786.1); c.92G>A, p.Gly31Asp (NM_001406794.1, NM_001406792.1, NM_001406793.1); c.1541G>A, p.Gly514Asp (NM_020630.7, NM_001406743.1, NM_001406744.1 and 4 more transcripts); c.1145G>A, p.Gly382Asp (NM_001406772.1, NM_001406769.1); c.1103G>A, p.Gly368Asp (NM_001406773.1, NM_001406771.1); c.1016G>A, p.Gly339Asp (NM_001406774.1); and 5 more; short protein forms G339D, G382D, G215D, G260D, G272D, G119D, G172D, G418D.
Identifiers: ClinVar variation 3653751 (VCV003653751.3).
Genomic context (GRCh38, chr10:43,112,117, plus strand): 5'-CCAGGCCAGCCCCCTGTGACCCTGCTTGTCTGCCACCTGCAGATGTGGCCGAGGAGGCGG[G>A]CTGCCCCCTGTCCTGTGCAGTCAGCAAGAGACGGCTGGAGTGTGAGGAGTGTGGCGGCCT-3'
Protein context (NP_066124.1, residues 504-524): VEGSYVAEEA[Gly514Asp]CPLSCAVSKR

ClinVar aggregate classification (germline): Uncertain significance. Review status: criteria provided, multiple submitters, no conflicts (2 of 4 stars). 2 submissions from 2 submitters: Uncertain significance (2). Last evaluated 2025-07-11.

Conditions:
Multiple endocrine neoplasia, type 2 (MEN2). Identifiers: Orphanet 653, MedGen C4048306, MONDO:0019003. Disease mechanism: gain of function.

Submissions (2):

Color Diagnostics, LLC DBA Color Health
Classification: Uncertain significance for Multiple endocrine neoplasia, type 2. Last evaluated: 2025-07-11. Review status: criteria provided, single submitter. Criteria: ACMG Guidelines, 2015. Collection method: clinical testing. Allele origin: germline.
Comment: This missense variant replaces glycine with aspartic acid at codon 514 of the RET protein. Computational prediction suggests that this variant may not impact protein structure and function. To our knowledge, functional studies have not been reported for this variant. This variant has not been reported in individuals affected with RET-related disorders in the literature. This variant has not been identified in the general population by the Genome Aggregation Database (gnomAD). The available evidence is insufficient to determine the role of this variant in disease conclusively. Therefore, this variant is classified as a Variant of Uncertain Significance.

Labcorp Genetics (formerly Invitae), Labcorp
Classification: Uncertain significance for Multiple endocrine neoplasia, type 2. Last evaluated: 2024-05-18. Review status: criteria provided, single submitter. Criteria: Invitae Variant Classification Sherloc (09022015). Collection method: clinical testing. Allele origin: germline.
Comment: This sequence change replaces glycine, which is neutral and non-polar, with aspartic acid, which is acidic and polar, at codon 514 of the RET protein (p.Gly514Asp). The frequency data for this variant in the population databases is considered unreliable, as metrics indicate poor data quality at this position in the gnomAD database. This variant has not been reported in the literature in individuals affected with RET-related conditions. Algorithms developed to predict the effect of missense changes on protein structure and function output the following: SIFT: "Not Available"; PolyPhen-2: "Benign"; Align-GVGD: "Not Available". The aspartic acid amino acid residue is found in multiple mammalian species, which suggests that this missense change does not adversely affect protein function. In summary, the available evidence is currently insufficient to determine the role of this variant in disease. Therefore, it has been classified as a Variant of Uncertain Significance.